The following is an entry in ClinVar:

ClinVar aggregate classification (germline): Uncertain significance (1 of 4 stars; one submission).

Submission:

Labcorp Genetics (formerly Invitae), Labcorp
Classification: Uncertain significance. Last evaluated: 2021-11-06. Review status: criteria provided, single submitter. Criteria: Invitae Variant Classification Sherloc (09022015). Collection method: clinical testing. Allele origin: germline.
Comment: This sequence change replaces proline, which is neutral and non-polar, with serine, which is neutral and polar, at codon 89 of the ASAH1 protein (p.Pro89Ser). This variant is not present in population databases (gnomAD no frequency). This variant has not been reported in the literature in individuals affected with ASAH1-related conditions. Algorithms developed to predict the effect of missense changes on protein structure and function (SIFT, PolyPhen-2, Align-GVGD) all suggest that this variant is likely to be disruptive. In summary, the available evidence is currently insufficient to determine the role of this variant in disease. Therefore, it has been classified as a Variant of Uncertain Significance.

NM_177924.5(ASAH1):c.265C>T (p.Pro89Ser)

Gene: ASAH1 (N-acylsphingosine amidohydrolase 1; minus strand). Cytogenetic location: 8p22.
Variant type: single nucleotide variant.
Coding change: c.265C>T on transcript NM_177924.5 (MANE Select); coding-DNA position 265, C replaced by T.
Protein change: p.Pro89Ser; replaces proline 89 with serine.
Molecular consequence: missense variant. On other transcripts: intron variant (1).
Genome position (GRCh38, 1-based): chr8:18,069,830, G>A on the plus strand (C>T on the coding strand, the complement: ASAH1 is on the minus strand). VCF-style: chr8-18069830-G-A. GRCh37 (hg19) VCF-style: chr8-17927339-G-A.
Other names: c.70C>T, p.Pro24Ser (NM_001363743.2); c.313C>T, p.Pro105Ser (NM_004315.6); c.285+1470C>T (NM_001127505.3); short protein forms P24S, P105S, P89S.
Identifiers: ClinVar variation 1414136 (VCV001414136.4), dbSNP rs2117056336, ClinGen allele CA370433161.
Genomic context (GRCh38, chr8:18,069,830, plus strand): 5'-TGTGAGAAATAATATCTCTTACCAATTTTTCATCCACCACCTGCATAATTTTTCCACTTG[G>A]CACGAATGTATTTATCATATTCTTCAGAGAATTCACTATAACCTTTAGCTGAAAAATAAA-3'
Protein context (NP_808592.2, residues 79-99): SLKNMINTFV[Pro89Ser]SGKIMQVVDE